The following is an entry in ClinVar:

NM_133379.5(TTN):c.16321C>T (p.Arg5441Ter)

Gene: TTN (titin; minus strand). Cytogenetic location: 2q31.2.
Variant type: single nucleotide variant.
Coding change: c.16321C>T on transcript NM_133379.5; coding-DNA position 16321, C replaced by T.
Protein change: p.Arg5441Ter; replaces arginine 5441 with a stop codon.
Molecular consequence: nonsense. On other transcripts: intron variant (6).
Genome position (GRCh38, 1-based): chr2:178,746,079, G>A on the plus strand (C>T on the coding strand, the complement: TTN is on the minus strand). VCF-style: chr2-178746079-G-A. GRCh37 (hg19) VCF-style: chr2-179610806-G-A.
Other names: c.10223-4158C>T (NM_003319.4); c.10799-4158C>T (NM_133437.4); c.10598-4158C>T (NM_133432.3); c.10360+7045C>T (NM_133378.4); c.10361-4158C>T (NM_001256850.1); c.11312-4158C>T (NM_001267550.2); short protein forms R5441*.
Identifiers: ClinVar variation 192041 (VCV000192041.8), dbSNP rs201273719, ClinGen allele CA238168.

ClinVar aggregate classification (germline): Uncertain significance. Review status: criteria provided, multiple submitters, no conflicts (2 of 4 stars). 5 submissions from 5 submitters: Uncertain significance (5). Last evaluated 2024-02-22.

Conditions:
Myopathy, myofibrillar, 9, with early respiratory failure (MFM9). Also called: Hereditary myopathy with early respiratory failure; EDSTROM MYOPATHY; MYOPATHY, PROXIMAL, WITH EARLY RESPIRATORY MUSCLE INVOLVEMENT; Myopathy, distal, with early respiratory failure, autosomal dominant. Identifiers: Orphanet 178464, Orphanet 34521, MedGen C1863599, MONDO:0011362, OMIM 603689.
Hypertrophic cardiomyopathy 9. Also called: Familial hypertrophic cardiomyopathy 9. Identifiers: MedGen C1861065, MONDO:0013412, OMIM 613765.
Early-onset myopathy with fatal cardiomyopathy (CMYO5). Also called: CONGENITAL MYOPATHY 5 WITH CARDIOMYOPATHY; Salih Myopathy. Identifiers: Orphanet 289377, MedGen C2673677, MONDO:0012714, OMIM 611705. Disease mechanism: loss of function.
Tibial muscular dystrophy (TMD). Also called: Tibial muscular dystrophy, tardive; UDD MYOPATHY; Udd Distal Myopathy – Tibial Muscular Dystrophy. Identifiers: Orphanet 609, MedGen C1838244, MONDO:0010870, OMIM 600334.
Autosomal recessive limb-girdle muscular dystrophy type 2J (LGMDR10). Also called: MUSCULAR DYSTROPHY, LIMB-GIRDLE, AUTOSOMAL RECESSIVE 10; Limb-girdle muscular dystrophy, type 2J. Identifiers: Orphanet 140922, MedGen C1837342, MONDO:0012127, OMIM 608807.
Dilated cardiomyopathy 1G (CMD1G). Identifiers: Orphanet 154, MedGen C1858763, MONDO:0011400, OMIM 604145.

Allele frequency attached by ClinVar (database versions not stated): TOPMed 0.00002; gnomAD 0.00003; ESP Exome Variant Server 0.00008.

Submissions (5):

ARUP Laboratories, Molecular Genetics and Genomics, ARUP Laboratories
Classification: Uncertain significance. Last evaluated: 2024-02-22. Review status: criteria provided, single submitter. Criteria: ARUP Molecular Germline Variant Investigation Process 2024. Collection method: clinical testing. Allele origin: germline.

Blueprint Genetics
Classification: Uncertain significance. Last evaluated: 2022-06-10. Review status: criteria provided, single submitter. Criteria: ACMG Guidelines, 2015. Collection method: clinical testing. Allele origin: germline.

Fulgent Genetics
Classification: Uncertain significance for Tibial muscular dystrophy; Myopathy, myofibrillar, 9, with early respiratory failure; Dilated cardiomyopathy 1G; Autosomal recessive limb-girdle muscular dystrophy type 2J; Early-onset myopathy with fatal cardiomyopathy; Hypertrophic cardiomyopathy 9. Last evaluated: 2021-09-22. Review status: criteria provided, single submitter. Criteria: ACMG Guidelines, 2015. Collection method: clinical testing. Allele origin: unknown.

Eurofins Ntd Llc (ga)
Classification: Uncertain significance. Last evaluated: 2017-02-02. Review status: criteria provided, single submitter. Criteria: EGL Classification Definitions 2015. Collection method: clinical testing. Allele origin: germline. Observed: 1 variant allele, 1 heterozygote.

Biesecker Lab/Clinical Genomics Section, National Institutes of Health
Classification: Uncertain significance. Last evaluated: 2013-06-24. Review status: criteria provided, single submitter. Criteria: Ng et al. (Circ Cardiovasc Genet. 2013). Collection method: research. Allele origin: unknown. Observed: 1 variant allele. Study: ClinSeq.
Comment: The study set was not selected for affection status in relation to any cancer. Pathogenicity categories were based on literature curation. See Pubmed ID:23861362 for details.

Medical sequencing